The following is an entry in ClinVar:

ClinVar aggregate classification (germline): Pathogenic/Likely pathogenic. Review status: criteria provided, multiple submitters, no conflicts (2 of 4 stars). 3 submissions from 3 submitters: Pathogenic (1); Likely pathogenic (1). 1 of the submissions does not count toward it. Last evaluated 2024-12-09.

Conditions:
Achondrogenesis, type IB (ACG1B). Also called: Achondrogenesis Type 1B. Identifiers: Orphanet 932, Orphanet 93298, MedGen C0265274, MONDO:0010966, OMIM 600972.
Multiple epiphyseal dysplasia type 4 (EDM4). Also called: MULTIPLE EPIPHYSEAL DYSPLASIA, AUTOSOMAL RECESSIVE; MULTIPLE EPIPHYSEAL DYSPLASIA WITH BILAYERED PATELLAE; MULTIPLE EPIPHYSEAL DYSPLASIA WITH CLUBFOOT; Multiple Epiphyseal Dysplasia, Recessive; SLC26A2-Related Multiple Epiphyseal Dysplasia. Identifiers: Orphanet 93307, MedGen C1847593, MONDO:0009189, OMIM 226900.
Atelosteogenesis type II (AO2). Also called: NEONATAL OSSEOUS DYSPLASIA I; SLC26A2-Related Atelosteogenesis; Neonatal osseous dysplasia 1. Identifiers: Orphanet 56304, MedGen C1850554, MONDO:0009727, OMIM 256050.
Diastrophic dysplasia (DTD). Also called: Diastrophic dwarfism. Identifiers: Orphanet 628, MedGen C0220726, MONDO:0009107, OMIM 222600.

Submissions (3):

Labcorp Genetics (formerly Invitae), Labcorp
Classification: Pathogenic for Atelosteogenesis type II; Multiple epiphyseal dysplasia type 4; Achondrogenesis, type IB; Diastrophic dysplasia. Last evaluated: 2024-12-09. Review status: criteria provided, single submitter. Criteria: Invitae Variant Classification Sherloc (09022015). Collection method: clinical testing. Allele origin: germline.
Comment: This sequence change creates a premature translational stop signal (p.Met236Serfs*16) in the SLC26A2 gene. While this is not anticipated to result in nonsense mediated decay, it is expected to disrupt the last 504 amino acid(s) of the SLC26A2 protein. This variant is not present in population databases (gnomAD no frequency). This premature translational stop signal has been observed in individual(s) with SLC26A2-related conditions (PMID: 11241838). This variant is also known as 731-737delGATGGGC. ClinVar contains an entry for this variant (Variation ID: 56028). This variant disrupts a region of the SLC26A2 protein in which other variant(s) (p.Ala715Val) have been determined to be pathogenic (PMID: 8571951, 21077204, 21922596). This suggests that this is a clinically significant region of the protein, and that variants that disrupt it are likely to be disease-causing. For these reasons, this variant has been classified as Pathogenic.

Baylor Genetics
Classification: Likely pathogenic for Achondrogenesis, type IB. Last evaluated: 2023-03-18. Review status: criteria provided, single submitter. Criteria: ACMG Guidelines, 2015. Collection method: clinical testing. Allele origin: unknown.

Juha Muilu Group; Institute for Molecular Medicine Finland (FIMM)
Classification: Likely pathogenic for Diastrophic dysplasia. Review status: no assertion criteria provided. Collection method: not provided. Allele origin: unknown. Not counted in ClinVar's aggregate classification.
Comment: FinDis database variant: This variant was not found or characterized by our laboratory, data were collected from public sources: see reference
ClinVar note: Converted during submission from probable-pathogenic to Likely pathogenic.

Literature cited by the submitters: PubMed 11241838 (cited by Labcorp Genetics (formerly Invitae), Labcorp); PubMed 8571951 (cited by Labcorp Genetics (formerly Invitae), Labcorp); PubMed 21077204 (cited by Labcorp Genetics (formerly Invitae), Labcorp); PubMed 21922596 (cited by Labcorp Genetics (formerly Invitae), Labcorp).

NM_000112.4(SLC26A2):c.705_711del (p.Met236fs)

Gene: SLC26A2 (solute carrier family 26 member 2; plus strand). Cytogenetic location: 5q32.
Variant type: Deletion.
Coding change: c.705_711del on transcript NM_000112.4 (MANE Select); coding-DNA positions 705 to 711, 7 bases deleted (GATGGGC; older notation c.705_711delGATGGGC).
Protein change: p.Met236fs; shifts the reading frame from methionine 236.
Molecular consequence: frameshift variant.
Genome position (GRCh38, 1-based): chr5:149,980,298-149,980,304, GATGGGC deleted; deleting any 7 consecutive bases within chr5:149,980,296-149,980,304 gives the same sequence; the c. name uses the placement nearest the transcript's 3' end. VCF-style (leftmost placement, unchanged base first): chr5-149980295-AGCGATGG-A. GRCh37 (hg19) VCF-style: chr5-149359858-AGCGATGG-A.
Other names: c.705_711delGATGGGC (NM_000112.3); short protein forms M236fs.
Identifiers: ClinVar variation 56028 (VCV000056028.8), dbSNP rs386833508, ClinGen allele CA263276.
Genomic context (GRCh38, chr5:149,980,295, plus strand): 5'-ATAAAATTTAGAAGTTCTTTTCCATTTATATTTAACACTTCTATATCCTTCCTTCCAGGT[AGCGATGG>A]GCTTCTTTCAAGTGGGTTTTGTTTCTGTCTACCTCTCAGATGCCTTGCTGAGTGGATTTG-3'